The following is an entry in ClinVar:

ClinVar aggregate classification (germline): Pathogenic (1 of 4 stars; one submission).

Submission:

Centre of Medical Genetics, University Hospital Muenster
Classification: Pathogenic. Last evaluated: 2022-12-16. Review status: criteria provided, single submitter. Criteria: ACMG Guidelines, 2015. Collection method: clinical testing. Allele origin: unknown. Affected: yes. Observed: 1 variant allele, 1 homozygote.
Comment: ACMG categories: PVS1,PM2,PP3

NM_004239.4(TRIP11):c.5408T>G (p.Leu1803Ter)

Gene: TRIP11 (thyroid hormone receptor interactor 11; minus strand). Cytogenetic location: 14q32.12.
Variant type: single nucleotide variant.
Coding change: c.5408T>G on transcript NM_004239.4 (MANE Select); coding-DNA position 5408, T replaced by G.
Protein change: p.Leu1803Ter; replaces leucine 1803 with a stop codon.
Molecular consequence: nonsense.
Genome position (GRCh38, 1-based): chr14:91,975,221, A>C on the plus strand (T>G on the coding strand, the complement: TRIP11 is on the minus strand). VCF-style: chr14-91975221-A-C. GRCh37 (hg19) VCF-style: chr14-92441565-A-C.
Other names: c.5405T>G, p.Leu1802Ter (NM_001321851.1); short protein forms L1802*, L1803*.
Identifiers: ClinVar variation 2430364 (VCV002430364.2), dbSNP rs2542959912, ClinGen allele CA390644537.
Genomic context (GRCh38, chr14:91,975,221, plus strand): 5'-CGTCCAGTCACCTGCTCCATCTCCTCCCTTCTGACGCCCAGGATGCTCCCCATTAACCGT[A>C]ACACTTCATGACGCTGATTTTTCGGTGTGTGGAAATGACCAATGAAGAGGTTTCTCATTA-3'